The following is an entry in ClinVar:

NM_033004.4(NLRP1):c.28G>T (p.Ala10Ser)

Genes: NLRP1 (NLR family pyrin domain containing 1; minus strand), LOC126862475 (CDK7 strongly-dependent group 2 enhancer GRCh37_chr17:5487167-5488366; plus strand). Cytogenetic location: 17p13.2.
Variant type: single nucleotide variant.
Coding change: c.28G>T on transcript NM_033004.4 (MANE Select); coding-DNA position 28, G replaced by T.
Protein change: p.Ala10Ser; replaces alanine 10 with serine.
Molecular consequence: missense variant.
Genome position (GRCh38, 1-based): chr17:5,583,930, C>A on the plus strand (G>T on the coding strand, the complement: NLRP1 is on the minus strand). VCF-style: chr17-5583930-C-A. GRCh37 (hg19) VCF-style: chr17-5487250-C-A.
Other names: c.28G>T, p.Ala10Ser (NM_001033053.3, NM_014922.5, NM_033006.4 and 1 more transcripts); short protein forms A10S.
Identifiers: ClinVar variation 2701894 (VCV002701894.3), dbSNP rs2508145416, ClinGen allele CA397391354.

ClinVar aggregate classification (germline): Uncertain significance (1 of 4 stars; one submission).

Submission:

Labcorp Genetics (formerly Invitae), Labcorp
Classification: Uncertain significance. Last evaluated: 2024-01-11. Review status: criteria provided, single submitter. Criteria: Invitae Variant Classification Sherloc (09022015). Collection method: clinical testing. Allele origin: germline.
Comment: This sequence change replaces alanine, which is neutral and non-polar, with serine, which is neutral and polar, at codon 10 of the NLRP1 protein (p.Ala10Ser). This variant is not present in population databases (gnomAD no frequency). This variant has not been reported in the literature in individuals affected with NLRP1-related conditions. An algorithm developed to predict the effect of missense changes on protein structure and function (PolyPhen-2) suggests that this variant is likely to be disruptive. In summary, the available evidence is currently insufficient to determine the role of this variant in disease. Therefore, it has been classified as a Variant of Uncertain Significance.